The following is an entry in ClinVar:

ClinVar aggregate classification (germline): Uncertain significance (1 of 4 stars; one submission).

Submission:

GeneDx
Classification: Uncertain significance. Last evaluated: 2023-11-03. Review status: criteria provided, single submitter. Criteria: GeneDx Variant Classification Process June 2021. Collection method: clinical testing. Allele origin: germline. Affected: yes.
Comment: Not observed at significant frequency in large population cohorts (gnomAD); In silico analysis supports that this missense variant does not alter protein structure/function; Has not been previously published as pathogenic or benign to our knowledge

NM_197968.4(ZMYM2):c.1863G>T (p.Met621Ile)

Gene: ZMYM2 (zinc finger MYM-type containing 2; plus strand). Cytogenetic location: 13q12.11.
Variant type: single nucleotide variant.
Coding change: c.1863G>T on transcript NM_197968.4 (MANE Select); coding-DNA position 1863, G replaced by T.
Protein change: p.Met621Ile; replaces methionine 621 with isoleucine.
Molecular consequence: missense variant. On other transcripts: non-coding transcript variant (1).
Genome position (GRCh38, 1-based): chr13:20,031,330, G>T. VCF-style: chr13-20031330-G-T. GRCh37 (hg19) VCF-style: chr13-20605470-G-T.
Other names: c.1863G>T, p.Met621Ile (NM_001190964.4, NM_001190965.4, NM_001353157.2 and 5 more transcripts); c.1668G>T, p.Met556Ile (NM_001353161.3); c.1602G>T, p.Met534Ile (NM_001353163.2); short protein forms M534I, M556I, M621I.
Identifiers: ClinVar variation 3363649 (VCV003363649.1).